The following is an entry in ClinVar:

NM_033225.6(CSMD1):c.10607A>T (p.Asn3536Ile)

Genes: CSMD1 (CUB and Sushi multiple domains 1; minus strand), LOC105377785 (uncharacterized LOC105377785; plus strand). Cytogenetic location: 8p23.2.
Variant type: single nucleotide variant.
Coding change: c.10607A>T on transcript NM_033225.6 (MANE Select); coding-DNA position 10607, A replaced by T.
Protein change: p.Asn3536Ile; replaces asparagine 3536 with isoleucine.
Molecular consequence: missense variant.
Genome position (GRCh38, 1-based): chr8:2,938,673, T>A on the plus strand (A>T on the coding strand, the complement: CSMD1 is on the minus strand). VCF-style: chr8-2938673-T-A. GRCh37 (hg19) VCF-style: chr8-2796195-T-A.
Other names: short protein forms N3536I.
Identifiers: ClinVar variation 2637072 (VCV002637072.1), dbSNP rs1165388002, ClinGen allele CA369961055.

ClinVar aggregate classification (germline): Uncertain significance (1 of 4 stars; one submission).

Conditions:
CSMD1-related disorder. Also called: CSMD1-related condition.

Allele frequency attached by ClinVar (database versions not stated): TOPMed below 0.00001; gnomAD 0.00001.
gnomAD v4.1: 1 of 1,611,506 alleles (0.000062%); highest among the groups gnomAD compares: African/African-American, 0.0013%; no homozygotes.

Submission:

PreventionGenetics, part of Exact Sciences
Classification: Uncertain significance for CSMD1-related condition. Last evaluated: 2022-10-05. Review status: criteria provided, single submitter. Criteria: ACMG Guidelines, 2015. Collection method: clinical testing. Allele origin: germline.
Comment: The CSMD1 c.10607A>T variant is predicted to result in the amino acid substitution p.Asn3536Ile. To our knowledge, this variant has not been reported in the literature or in a large population database, indicating this variant is rare. At this time, the clinical significance of this variant is uncertain due to the absence of conclusive functional and genetic evidence.